The following is an entry in ClinVar:

NM_001256317.3(TMPRSS3):c.669C>T (p.Ser223=)

Gene: TMPRSS3 (transmembrane serine protease 3; minus strand). Cytogenetic location: 21q22.3.
Variant type: single nucleotide variant.
Coding change: c.669C>T on transcript NM_001256317.3 (MANE Select); coding-DNA position 669, C replaced by T.
Protein change: p.Ser223=; no amino-acid change (serine 223 retained).
Molecular consequence: synonymous variant.
Genome position (GRCh38, 1-based): chr21:42,383,146, G>A on the plus strand (C>T on the coding strand, the complement: TMPRSS3 is on the minus strand). VCF-style: chr21-42383146-G-A. GRCh37 (hg19) VCF-style: chr21-43803255-G-A.
Other names: c.669C>T, p.Ser223= (NM_024022.4, NM_032405.2); c.288C>T, p.Ser96= (NM_032404.3).
Identifiers: ClinVar variation 1914163 (VCV001914163.2), dbSNP rs369273878, ClinGen allele CA10042499.

ClinVar aggregate classification (germline): Uncertain significance (1 of 4 stars; one submission).

Allele frequency attached by ClinVar (database versions not stated): gnomAD 0.00001; TOPMed 0.00001; ExAC 0.00002; gnomAD exomes 0.00002; ESP Exome Variant Server 0.00008.
gnomAD v4.1: 28 of 1,614,096 alleles (0.0017%); highest among the groups gnomAD compares: Non-Finnish European, 0.0023%; no homozygotes.

Submission:

Labcorp Genetics (formerly Invitae), Labcorp
Classification: Uncertain significance. Last evaluated: 2022-10-13. Review status: criteria provided, single submitter. Criteria: Invitae Variant Classification Sherloc (09022015). Collection method: clinical testing. Allele origin: germline.
Comment: This sequence change affects codon 223 of the TMPRSS3 mRNA. It is a 'silent' change, meaning that it does not change the encoded amino acid sequence of the TMPRSS3 protein. This variant is present in population databases (rs369273878, gnomAD 0.002%). This variant has not been reported in the literature in individuals affected with TMPRSS3-related conditions. Algorithms developed to predict the effect of sequence changes on RNA splicing suggest that this variant may create or strengthen a splice site. In summary, the available evidence is currently insufficient to determine the role of this variant in disease. Therefore, it has been classified as a Variant of Uncertain Significance.